The following is an entry in ClinVar:

ClinVar aggregate classification (germline): Uncertain significance. Review status: criteria provided, multiple submitters, no conflicts (2 of 4 stars). 2 submissions from 2 submitters: Uncertain significance (2). Last evaluated 2025-06-02.

Conditions:
Hereditary cancer-predisposing syndrome. Also called: Tumor predisposition; Neoplastic Syndromes, Hereditary; Hereditary Cancer Syndrome; Hereditary neoplastic syndrome. Identifiers: Orphanet 140162, MedGen C0027672, MeSH D009386, MONDO:0015356.
Cardiovascular phenotype. Identifiers: MedGen CN230736.
Neurofibromatosis, type 1 (NF1). Also called: VON RECKLINGHAUSEN DISEASE; NEUROFIBROMATOSIS, TYPE I, SOMATIC; Peripheral type neurofibromatosis; Neurofibromatosis, type I. Identifiers: Orphanet 636, MedGen C0027831, MONDO:0018975, OMIM 162200. Disease mechanism: loss of function.

Submissions (2):

Labcorp Genetics (formerly Invitae), Labcorp
Classification: Uncertain significance for Neurofibromatosis, type 1. Last evaluated: 2025-06-02. Review status: criteria provided, single submitter. Criteria: Invitae Variant Classification Sherloc (09022015). Collection method: clinical testing. Allele origin: germline.
Comment: This sequence change replaces histidine, which is basic and polar, with tyrosine, which is neutral and polar, at codon 435 of the NF1 protein (p.His435Tyr). This variant is not present in population databases (gnomAD no frequency). This variant has not been reported in the literature in individuals affected with NF1-related conditions. ClinVar contains an entry for this variant (Variation ID: 1769461). Invitae Evidence Modeling of protein sequence and biophysical properties (such as structural, functional, and spatial information, amino acid conservation, physicochemical variation, residue mobility, and thermodynamic stability) indicates that this missense variant is not expected to disrupt NF1 protein function with a negative predictive value of 95%. In summary, the available evidence is currently insufficient to determine the role of this variant in disease. Therefore, it has been classified as a Variant of Uncertain Significance.

Ambry Genetics
Classification: Uncertain significance for Cardiovascular phenotype; Hereditary cancer-predisposing syndrome. Last evaluated: 2024-08-29. Review status: criteria provided, single submitter. Criteria: Ambry Variant Classification Scheme 2023. Collection method: clinical testing. Allele origin: germline.
Comment: The p.H435Y variant (also known as c.1303C>T), located in coding exon 12 of the NF1 gene, results from a C to T substitution at nucleotide position 1303. The histidine at codon 435 is replaced by tyrosine, an amino acid with similar properties. This amino acid position is well conserved in available vertebrate species. In addition, this alteration is predicted to be tolerated by in silico analysis. Based on the available evidence, the clinical significance of this variant remains unclear.

NM_001042492.3(NF1):c.1303C>T (p.His435Tyr)

Gene: NF1 (neurofibromin 1; plus strand). Cytogenetic location: 17q11.2.
Variant type: single nucleotide variant.
Coding change: c.1303C>T on transcript NM_001042492.3 (MANE Select); coding-DNA position 1303, C replaced by T.
Protein change: p.His435Tyr; replaces histidine 435 with tyrosine.
Molecular consequence: missense variant.
Genome position (GRCh38, 1-based): chr17:31,206,282, C>T. VCF-style: chr17-31206282-C-T. GRCh37 (hg19) VCF-style: chr17-29533300-C-T.
Other names: c.1303C>T, p.His435Tyr (NM_000267.4, NM_001128147.3); short protein forms H435Y.
Identifiers: ClinVar variation 1769461 (VCV001769461.4), dbSNP rs2143914135, ClinGen allele CA398999309.